The following is an entry in ClinVar:

NM_001085458.2(CTNND1):c.323T>C (p.Ile108Thr)

Genes: CTNND1 (catenin delta 1; plus strand), TMX2-CTNND1 (TMX2-CTNND1 readthrough (NMD candidate); plus strand). Cytogenetic location: 11q12.1.
Variant type: single nucleotide variant.
Coding change: c.323T>C on transcript NM_001085458.2 (MANE Select); coding-DNA position 323, T replaced by C.
Protein change: p.Ile108Thr; replaces isoleucine 108 with threonine.
Molecular consequence: missense variant. On other transcripts: non-coding transcript variant (1).
Genome position (GRCh38, 1-based): chr11:57,795,632, T>C. VCF-style: chr11-57795632-T-C. GRCh37 (hg19) VCF-style: chr11-57563104-T-C.
Other names: c.323T>C, p.Ile108Thr (NM_001085459.2, NM_001085460.2, NM_001085461.2 and 3 more transcripts); c.20T>C, p.Ile7Thr (NM_001085463.2, NM_001085464.2, NM_001085465.2 and 5 more transcripts); c.161T>C, p.Ile54Thr (NM_001206883.2, NM_001206884.2, NM_001206886.2 and 4 more transcripts); short protein forms I108T, I54T, I7T.
Identifiers: ClinVar variation 1300290 (VCV001300290.2), dbSNP rs1394252031, ClinGen allele CA380723584.

ClinVar aggregate classification (germline): Uncertain significance (1 of 4 stars; one submission).

Allele frequency attached by ClinVar (database versions not stated): gnomAD exomes below 0.00001 and 0.00001; gnomAD 0.00001.
gnomAD v4.1: 11 of 1,608,434 alleles (0.00068%); highest among the groups gnomAD compares: Admixed American, 0.0034%; no homozygotes.

Submission:

GeneDx
Classification: Uncertain significance. Last evaluated: 2021-09-20. Review status: criteria provided, single submitter. Criteria: GeneDx Variant Classification Process June 2021. Collection method: clinical testing. Allele origin: germline. Affected: yes.
Comment: Not observed at a significant frequency in large population cohorts (Lek et al., 2016); In silico analysis supports that this missense variant has a deleterious effect on protein structure/function; Has not been previously published as pathogenic or benign to our knowledge